The following is an entry in ClinVar:

NM_016343.4(CENPF):c.8963-9dup

Gene: CENPF (centromere protein F; plus strand). Cytogenetic location: 1q41.
Variant type: Duplication.
Coding change: c.8963-9dup on transcript NM_016343.4 (MANE Select); 9 bases into the intron before coding-DNA position 8963, one base duplicated (T; older notation c.8963-9dupT).
Molecular consequence: intron variant.
Genome position (GRCh38, 1-based): chr1:214,658,841, T duplicated; the last of 8 consecutive T bases (chr1:214,658,834-214,658,841); duplicating any one gives the same sequence. VCF-style (leftmost placement, unchanged base first): chr1-214658833-A-AT. GRCh37 (hg19) VCF-style: chr1-214832176-A-AT.
Identifiers: ClinVar variation 1193913 (VCV001193913.11), dbSNP rs575514285, ClinGen allele CA1391538.
Genomic context (GRCh38, chr1:214,658,833, plus strand): 5'-ACCACCTAATGAATATCTTTTCCACTGTAGATAGAATTGGACCTAGCAGTGCTGACAGTT[A>AT]TTTTTTTTGCCCTTAGGGTTTGCTGACATCCCGACAGGAAAGACTAGCCCATATATCCTG-3'

ClinVar aggregate classification (germline): Benign/Likely benign. Review status: criteria provided, multiple submitters, no conflicts (2 of 4 stars). 3 submissions from 3 submitters: Benign (1); Likely benign (2). Last evaluated 2025-04-28.

Submissions (3):

Labcorp Genetics (formerly Invitae), Labcorp
Classification: Benign. Last evaluated: 2025-04-28. Review status: criteria provided, single submitter. Criteria: Invitae Variant Classification Sherloc (09022015). Collection method: clinical testing. Allele origin: germline.

Blueprint Genetics
Classification: Likely benign. Last evaluated: 2024-11-26. Review status: criteria provided, single submitter. Criteria: ACMG Guidelines, 2015. Collection method: clinical testing. Allele origin: germline.

GeneDx
Classification: Likely benign. Last evaluated: 2019-12-23. Review status: criteria provided, single submitter. Criteria: GeneDx Variant Classification Process June 2021. Collection method: clinical testing. Allele origin: germline. Affected: yes.
Comment: In silico analysis, which includes splice predictors and evolutionary conservation, supports that this variant does not alter protein structure/function; Has not been previously published as pathogenic or benign to our knowledge